The following is an entry in ClinVar:

NM_032043.3(BRIP1):c.1935G>C (p.Gln645His)

Gene: BRIP1 (BRCA1 interacting DNA helicase 1; minus strand). Cytogenetic location: 17q23.2.
Variant type: single nucleotide variant.
Coding change: c.1935G>C on transcript NM_032043.3 (MANE Select); coding-DNA position 1935, G replaced by C.
Protein change: p.Gln645His; replaces glutamine 645 with histidine.
Molecular consequence: missense variant.
Genome position (GRCh38, 1-based): chr17:61,780,261, C>G on the plus strand (G>C on the coding strand, the complement: BRIP1 is on the minus strand). VCF-style: chr17-61780261-C-G. GRCh37 (hg19) VCF-style: chr17-59857622-C-G.
Other names: short protein forms Q645H.
Identifiers: ClinVar variation 483158 (VCV000483158.17), dbSNP rs1254051324, ClinGen allele CA400479145.

ClinVar aggregate classification (germline): Uncertain significance. Review status: criteria provided, multiple submitters, no conflicts (2 of 4 stars). 2 submissions from 2 submitters: Uncertain significance (2). Last evaluated 2026-01-13.

Conditions:
Hereditary cancer-predisposing syndrome. Also called: Tumor predisposition; Hereditary Cancer Syndrome; Neoplastic Syndromes, Hereditary; Hereditary neoplastic syndrome. Identifiers: Orphanet 140162, MedGen C0027672, MeSH D009386, MONDO:0015356.
Familial cancer of breast. Also called: Hereditary breast cancer; BREAST CANCER, FAMILIAL; hereditary breast carcinoma. Identifiers: Orphanet 227535, MedGen C0346153, MONDO:0016419, OMIM 114480. Disease mechanism: loss of function.
Fanconi anemia complementation group J. Also called: BRIP1-Related Fanconi Anemia. Identifiers: Orphanet 84, MedGen C1836860, MONDO:0012187, OMIM 609054.

Allele frequency attached by ClinVar (database versions not stated): gnomAD exomes below 0.00001; TOPMed below 0.00001; gnomAD 0.00001.
gnomAD v4.1: 2 of 1,611,894 alleles (0.00012%); highest among the groups gnomAD compares: African/African-American, 0.0027%; no homozygotes.

Submissions (2):

Labcorp Genetics (formerly Invitae), Labcorp
Classification: Uncertain significance for Familial cancer of breast; Fanconi anemia complementation group J. Last evaluated: 2026-01-13. Review status: criteria provided, single submitter. Criteria: Invitae Variant Classification Sherloc (09022015). Collection method: clinical testing. Allele origin: germline.
Comment: This sequence change replaces glutamine, which is neutral and polar, with histidine, which is basic and polar, at codon 645 of the BRIP1 protein (p.Gln645His). This variant also falls at the last nucleotide of exon 13, which is part of the consensus splice site for this exon. This variant is present in population databases (no rsID available, gnomAD 0.01%). This variant has not been reported in the literature in individuals affected with BRIP1-related conditions. ClinVar contains an entry for this variant (Variation ID: 483158). Invitae Evidence Modeling of protein sequence and biophysical properties (such as structural, functional, and spatial information, amino acid conservation, physicochemical variation, residue mobility, and thermodynamic stability) has been performed for this missense variant. However, the output from this modeling did not meet the statistical confidence thresholds required to predict the impact of this variant on BRIP1 protein function. Variants that disrupt the consensus splice site are a relatively common cause of aberrant splicing (PMID: 17576681, 9536098). Studies have shown that this missense change is associated with inconclusive levels of altered splicing (internal data). In summary, the available evidence is currently insufficient to determine the role of this variant in disease. Therefore, it has been classified as a Variant of Uncertain Significance.

Ambry Genetics
Classification: Uncertain significance for Hereditary cancer-predisposing syndrome. Last evaluated: 2025-12-20. Review status: criteria provided, single submitter. Criteria: Ambry Variant Classification Scheme 2023. Collection method: clinical testing. Allele origin: germline.
Comment: The p.Q645H variant (also known as c.1935G>C), located in coding exon 12 of the BRIP1 gene, results from a G to C substitution at nucleotide position 1935. The amino acid change results in glutamine to histidine at codon 645, an amino acid with highly similar properties. However, this change occurs in the last base pair of coding exon 12, which makes it likely to have some effect on normal mRNA splicing. This nucleotide position is highly conserved in available vertebrate species. This amino acid position is highly conserved in available vertebrate species. In silico splice site analysis predicts that this alteration will weaken the native splice donor site. RNA studies have demonstrated that this alteration results in a transcript predicted to lead to a protein with an in-frame deletion of 47 amino acids; however, the exact functional impact of the deleted amino acids are unknown at this time (Ambry internal data). In addition, as a missense substitution this is predicted to be deleterious by in silico analysis. Based on the available evidence, the clinical significance of this variant remains unclear.

Literature cited by the submitters: PubMed 17576681 (cited by Labcorp Genetics (formerly Invitae), Labcorp); PubMed 9536098 (cited by Labcorp Genetics (formerly Invitae), Labcorp).